The following is an entry in ClinVar:

ClinVar aggregate classification (germline): Likely pathogenic. Review status: criteria provided, single submitter (1 of 4 stars). 2 submissions from 2 submitters: Likely pathogenic (1). 1 of the submissions does not count toward it. Last evaluated 2025-10-03.

Conditions:
Autosomal recessive hypophosphatemic bone disease (HHRH). Also called: Hypophosphatemic rickets with hypercalciuria; HYPERCALCIURIC RICKETS. Identifiers: Orphanet 157215, MedGen C1853271, MONDO:0009431, OMIM 241530.

Allele frequency attached by ClinVar (database versions not stated): gnomAD exomes below 0.00001 and 0.00001; ExAC 0.00001.
gnomAD v4.1: 7 of 1,607,894 alleles (0.00044%); highest among the groups gnomAD compares: Non-Finnish European, 0.00059%; no homozygotes.

Submissions (2):

Rare Kidney Stone Consortium and the Mayo Clinic Hyperoxaluria Center, Mayo Clinic
Classification: Likely pathogenic for Autosomal recessive hypophosphatemic bone disease. Last evaluated: 2025-10-03. Review status: criteria provided, single submitter. Criteria: ACMG Guidelines, 2015. Collection method: research. Allele origin: germline. Affected: yes. Observed: 2 variant alleles.
Comment: ACMG:PM1, PM2, PM6, PP3, PP4

Bioscientia Institut fuer Medizinische Diagnostik GmbH, Sonic Healthcare
Classification: Uncertain significance for Autosomal recessive hypophosphatemic bone disease. Last evaluated: 2017-09-18. Review status: no assertion criteria provided. Collection method: clinical testing. Allele origin: germline. Affected: yes. Not counted in ClinVar's aggregate classification.

Literature cited by the submitters: PubMed 40794449 (cited by Rare Kidney Stone Consortium and the Mayo Clinic Hyperoxaluria Center, Mayo Clinic).

NM_001177316.2(SLC34A3):c.1210G>A (p.Gly404Arg)

Gene: SLC34A3 (solute carrier family 34 member 3; plus strand). Cytogenetic location: 9q34.3.
Variant type: single nucleotide variant.
Coding change: c.1210G>A on transcript NM_001177316.2 (MANE Select); coding-DNA position 1210, G replaced by A.
Protein change: p.Gly404Arg; replaces glycine 404 with arginine.
Molecular consequence: missense variant.
Genome position (GRCh38, 1-based): chr9:137,234,532, G>A. VCF-style: chr9-137234532-G-A. GRCh37 (hg19) VCF-style: chr9-140128984-G-A.
Other names: c.1210G>A, p.Gly404Arg (NM_001177317.2, NM_080877.3); short protein forms G404R.
Identifiers: ClinVar variation 522468 (VCV000522468.4), dbSNP rs759768852, ClinGen allele CA5364842.